The following is an entry in ClinVar:

NM_006208.3(ENPP1):c.199C>G (p.Arg67Gly)

Gene: ENPP1 (ectonucleotide pyrophosphatase/phosphodiesterase 1; plus strand). Cytogenetic location: 6q23.2.
Variant type: single nucleotide variant.
Coding change: c.199C>G on transcript NM_006208.3 (MANE Select); coding-DNA position 199, C replaced by G.
Protein change: p.Arg67Gly; replaces arginine 67 with glycine.
Molecular consequence: missense variant.
Genome position (GRCh38, 1-based): chr6:131,808,234, C>G. VCF-style: chr6-131808234-C-G. GRCh37 (hg19) VCF-style: chr6-132129374-C-G.
Other names: c.199C>G (NM_006208.2); short protein forms R67G.
Identifiers: ClinVar variation 1492235 (VCV001492235.10), dbSNP rs1017385280, ClinGen allele CA147948111.

ClinVar aggregate classification (germline): Uncertain significance. Review status: criteria provided, single submitter (1 of 4 stars). 2 submissions from 2 submitters: Uncertain significance (1). 1 of the submissions does not count toward it. Last evaluated 2025-10-25.

Conditions:
ENPP1-related disorder. Also called: ENPP1-related condition; ENPP1-related disorders.

Allele frequency attached by ClinVar (database versions not stated): TOPMed 0.00006; gnomAD 0.00009.
gnomAD v4.1: 63 of 1,516,966 alleles (0.0042%); highest among the groups gnomAD compares: Middle Eastern, 0.023%; no homozygotes.

Submissions (2):

Labcorp Genetics (formerly Invitae), Labcorp
Classification: Uncertain significance. Last evaluated: 2025-10-25. Review status: criteria provided, single submitter. Criteria: Invitae Variant Classification Sherloc (09022015). Collection method: clinical testing. Allele origin: germline.
Comment: This sequence change replaces arginine, which is basic and polar, with glycine, which is neutral and non-polar, at codon 67 of the ENPP1 protein (p.Arg67Gly). This variant is present in population databases (no rsID available, gnomAD 0.02%). This variant has not been reported in the literature in individuals affected with ENPP1-related conditions. ClinVar contains an entry for this variant (Variation ID: 1492235). An algorithm developed to predict the effect of missense changes on protein structure and function (PolyPhen-2) suggests that this variant is likely to be tolerated. In summary, the available evidence is currently insufficient to determine the role of this variant in disease. Therefore, it has been classified as a Variant of Uncertain Significance.

PreventionGenetics, part of Exact Sciences
Classification: Uncertain significance for ENPP1-related condition. Last evaluated: 2023-12-11. Review status: no assertion criteria provided. Collection method: clinical testing. Allele origin: germline. Not counted in ClinVar's aggregate classification.
Comment: The ENPP1 c.199C>G variant is predicted to result in the amino acid substitution p.Arg67Gly. To our knowledge, this variant has not been reported in the literature. This variant is reported in 0.019% of alleles in individuals of European (non-Finnish) descent in gnomAD. At this time, the clinical significance of this variant is uncertain due to the absence of conclusive functional and genetic evidence.